The following is an entry in ClinVar:

ClinVar aggregate classification (germline): Uncertain significance (1 of 4 stars; one submission).

Submission:

Ambry Genetics
Classification: Uncertain significance. Last evaluated: 2026-08-23. Review status: criteria provided, single submitter. Criteria: Ambry Variant Classification Scheme 2023. Collection method: clinical testing. Allele origin: germline.
Comment: The p.R29H variant (also known as c.86G>A), located in coding exon 1 of the SRP72 gene, results from a G to A substitution at nucleotide position 86. The arginine at codon 29 is replaced by histidine, an amino acid with highly similar properties. This amino acid position is conserved. In addition, the in silico prediction for this alteration is inconclusive. Based on the available evidence, the clinical significance of this variant remains unclear.

NM_006947.4(SRP72):c.86G>A (p.Arg29His)

Gene: SRP72 (signal recognition particle 72; plus strand). Cytogenetic location: 4q12.
Variant type: single nucleotide variant.
Coding change: c.86G>A on transcript NM_006947.4 (MANE Select); coding-DNA position 86, G replaced by A.
Protein change: p.Arg29His; replaces arginine 29 with histidine.
Molecular consequence: missense variant. On other transcripts: non-coding transcript variant (1).
Genome position (GRCh38, 1-based): chr4:56,467,721, G>A. VCF-style: chr4-56467721-G-A. GRCh37 (hg19) VCF-style: chr4-57333887-G-A.
Other names: c.86G>A, p.Arg29His (NM_001267722.2); short protein forms R29H.
Identifiers: ClinVar variation 5030257 (VCV005030257.1).